The following is an entry in ClinVar:

ClinVar aggregate classification (germline): Uncertain significance (1 of 4 stars; one submission).

Conditions:
Hereditary cancer-predisposing syndrome. Also called: Neoplastic Syndromes, Hereditary; Tumor predisposition; Hereditary Cancer Syndrome; Hereditary neoplastic syndrome. Identifiers: Orphanet 140162, MedGen C0027672, MeSH D009386, MONDO:0015356.

Submission:

Ambry Genetics
Classification: Uncertain significance for Hereditary cancer-predisposing syndrome. Last evaluated: 2026-02-24. Review status: criteria provided, single submitter. Criteria: Ambry Variant Classification Scheme 2023. Collection method: clinical testing. Allele origin: germline.
Comment: The p.K20Q variant (also known as c.58A>C), located in coding exon 1 of the RAD50 gene, results from an A to C substitution at nucleotide position 58. The lysine at codon 20 is replaced by glutamine, an amino acid with similar properties. This amino acid position is conserved. In addition, this alteration is predicted to be tolerated by in silico analysis. Based on the available evidence, the clinical significance of this variant remains unclear.

NM_005732.4(RAD50):c.58A>C (p.Lys20Gln)

Gene: RAD50 (RAD50 double strand break repair protein; plus strand). Cytogenetic location: 5q31.1.
Variant type: single nucleotide variant.
Coding change: c.58A>C on transcript NM_005732.4 (MANE Select); coding-DNA position 58, A replaced by C.
Protein change: p.Lys20Gln; replaces lysine 20 with glutamine.
Molecular consequence: missense variant.
Genome position (GRCh38, 1-based): chr5:132,557,382, A>C. VCF-style: chr5-132557382-A-C. GRCh37 (hg19) VCF-style: chr5-131893074-A-C.
Other names: short protein forms K20Q.
Identifiers: ClinVar variation 4826857 (VCV004826857.1).